The following is an entry in ClinVar:

ClinVar aggregate classification (germline): Uncertain significance. Review status: criteria provided, multiple submitters, no conflicts (2 of 4 stars). 2 submissions from 2 submitters: Uncertain significance (2). Last evaluated 2023-10-01.

Allele frequency attached by ClinVar (database versions not stated): gnomAD exomes below 0.00001.
gnomAD v4.1: 1 of 1,613,968 alleles (0.000062%); highest among the groups gnomAD compares: Admixed American, 0.0017%; no homozygotes.

Submissions (2):

CeGaT Center for Human Genetics Tuebingen
Classification: Uncertain significance. Last evaluated: 2023-10-01. Review status: criteria provided, single submitter. Criteria: CeGaT Center For Human Genetics Tuebingen Variant Classification Criteria Version 2. Collection method: clinical testing. Allele origin: germline. Affected: yes. Observed: 1 variant allele.
Comment: OTOA: PM2, BP4

Labcorp Genetics (formerly Invitae), Labcorp
Classification: Uncertain significance. Last evaluated: 2021-11-18. Review status: criteria provided, single submitter. Criteria: Invitae Variant Classification Sherloc (09022015). Collection method: clinical testing. Allele origin: germline.
Comment: In summary, the available evidence is currently insufficient to determine the role of this variant in disease. Therefore, it has been classified as a Variant of Uncertain Significance. Algorithms developed to predict the effect of missense changes on protein structure and function output the following: SIFT: "Tolerated"; PolyPhen-2: "Benign"; Align-GVGD: "Class C0". The asparagine amino acid residue is found in multiple mammalian species, which suggests that this missense change does not adversely affect protein function. This variant has not been reported in the literature in individuals affected with OTOA-related conditions. This variant is present in population databases (no rsID available, gnomAD 0.003%). This sequence change replaces serine, which is neutral and polar, with asparagine, which is neutral and polar, at codon 190 of the OTOA protein (p.Ser190Asn).

NM_144672.4(OTOA):c.569G>A (p.Ser190Asn)

Gene: OTOA (otoancorin). Cytogenetic location: 16p12.2.
Variant type: single nucleotide variant.
Coding change: c.569G>A on transcript NM_144672.4 (MANE Select); coding-DNA position 569, G replaced by A.
Protein change: p.Ser190Asn; replaces serine 190 with asparagine.
Molecular consequence: missense variant.
Genome position (GRCh38, 1-based): chr16:21,687,582, G>A. VCF-style: chr16-21687582-G-A. GRCh37 (hg19) VCF-style: chr16-21698903-G-A.
Other names: c.332G>A, p.Ser111Asn (NM_001161683.2); short protein forms S111N, S190N.
Identifiers: ClinVar variation 1447929 (VCV001447929.29), dbSNP rs898751068, ClinGen allele CA279395933.